The following is an entry in ClinVar:

ClinVar aggregate classification (germline): Uncertain significance. Review status: criteria provided, multiple submitters, no conflicts (2 of 4 stars). 2 submissions from 2 submitters: Uncertain significance (2). Last evaluated 2024-05-21.

Conditions:
Familial thoracic aortic aneurysm and aortic dissection (TAAD). Also called: Thoracic aortic aneurysms and dissections. Identifiers: Orphanet 91387, MedGen C4707243, MONDO:0019625.
Adams-Oliver syndrome 5 (AOS5). Identifiers: Orphanet 974, MedGen C4014970, MONDO:0014459, OMIM 616028.

Allele frequency attached by ClinVar (database versions not stated): TOPMed below 0.00001; gnomAD 0.00001.

Submissions (2):

Ambry Genetics
Classification: Uncertain significance for Familial thoracic aortic aneurysm and aortic dissection. Last evaluated: 2024-05-21. Review status: criteria provided, single submitter. Criteria: Ambry Variant Classification Scheme 2023. Collection method: clinical testing. Allele origin: germline.
Comment: The p.T1046N variant (also known as c.3137C>A), located in coding exon 19 of the NOTCH1 gene, results from a C to A substitution at nucleotide position 3137. The threonine at codon 1046 is replaced by asparagine, an amino acid with similar properties. This amino acid position is conserved. In addition, this alteration is predicted to be tolerated by in silico analysis. Based on the available evidence, the clinical significance of this variant remains unclear.

Labcorp Genetics (formerly Invitae), Labcorp
Classification: Uncertain significance for Adams-Oliver syndrome 5. Last evaluated: 2024-03-28. Review status: criteria provided, single submitter. Criteria: Invitae Variant Classification Sherloc (09022015). Collection method: clinical testing. Allele origin: germline.
Comment: This sequence change replaces threonine, which is neutral and polar, with asparagine, which is neutral and polar, at codon 1046 of the NOTCH1 protein (p.Thr1046Asn). The frequency data for this variant in the population databases is considered unreliable, as metrics indicate poor data quality at this position in the gnomAD database. This variant has not been reported in the literature in individuals affected with NOTCH1-related conditions. Advanced modeling of protein sequence and biophysical properties (such as structural, functional, and spatial information, amino acid conservation, physicochemical variation, residue mobility, and thermodynamic stability) performed at Invitae indicates that this missense variant is not expected to disrupt NOTCH1 protein function with a negative predictive value of 80%. In summary, the available evidence is currently insufficient to determine the role of this variant in disease. Therefore, it has been classified as a Variant of Uncertain Significance.

NM_017617.5(NOTCH1):c.3137C>A (p.Thr1046Asn)

Gene: NOTCH1 (notch receptor 1; minus strand). Cytogenetic location: 9q34.3.
Variant type: single nucleotide variant.
Coding change: c.3137C>A on transcript NM_017617.5 (MANE Select); coding-DNA position 3137, C replaced by A.
Protein change: p.Thr1046Asn; replaces threonine 1046 with asparagine.
Molecular consequence: missense variant.
Genome position (GRCh38, 1-based): chr9:136,508,904, G>T on the plus strand (C>A on the coding strand, the complement: NOTCH1 is on the minus strand). VCF-style: chr9-136508904-G-T. GRCh37 (hg19) VCF-style: chr9-139403356-G-T.
Other names: c.3137C>A (NM_017617.3); short protein forms T1046N.
Identifiers: ClinVar variation 2791806 (VCV002791806.4), dbSNP rs1316963008, ClinGen allele CA375552701.
Genomic context (GRCh38, chr9:136,508,904, plus strand): 5'-GGCACCTCTGTGGCCGGCGCACTCACCTGGCAGTTGGGGCCAGTGTAGCCCTGGGGGCAG[G>T]TGCACCTGTAGGAGCCGCAGCCGTCCTGACAGGTGCCGCCATGCAGGCAGGGCTGTGAGT-3'
Protein context (NP_060087.3, residues 1036-1056): CQDGCGSYRC[Thr1046Asn]CPQGYTGPNC